The following is an entry in ClinVar:

NM_173495.3(PTCHD1):c.1682A>G (p.Tyr561Cys)

Gene: PTCHD1 (patched domain containing 1; plus strand). Cytogenetic location: Xp22.11.
Variant type: single nucleotide variant.
Coding change: c.1682A>G on transcript NM_173495.3 (MANE Select); coding-DNA position 1682, A replaced by G.
Protein change: p.Tyr561Cys; replaces tyrosine 561 with cysteine.
Molecular consequence: missense variant.
Genome position (GRCh38, 1-based): chrX:23,393,200, A>G. VCF-style: chrX-23393200-A-G. GRCh37 (hg19) VCF-style: chrX-23411317-A-G.
Other names: short protein forms Y561C.
Identifiers: ClinVar variation 3373247 (VCV003373247.1).

ClinVar aggregate classification (germline): Uncertain significance (1 of 4 stars; one submission).

Submission:

GeneDx
Classification: Uncertain significance. Last evaluated: 2024-04-29. Review status: criteria provided, single submitter. Criteria: GeneDx Variant Classification Process June 2021. Collection method: clinical testing. Allele origin: germline. Affected: yes.
Comment: Not observed at significant frequency in large population cohorts (gnomAD); In silico analysis indicates that this missense variant does not alter protein structure/function; Has not been previously published as pathogenic or benign to our knowledge